The following is an entry in ClinVar:

NM_001753.5(CAV1):c.30+19dup

Gene: CAV1 (caveolin 1; plus strand). Cytogenetic location: 7q31.2.
Variant type: Duplication.
Coding change: c.30+19dup on transcript NM_001753.5 (MANE Select); 19 bases into the intron after coding-DNA position 30, one base duplicated (G; older notation c.30+19dupG).
Molecular consequence: intron variant. On other transcripts: 5 prime UTR variant (1).
Genome position (GRCh38, 1-based): chr7:116,525,111, G duplicated; the last of 7 consecutive G bases (chr7:116,525,105-116,525,111); duplicating any one gives the same sequence. VCF-style (leftmost placement, unchanged base first): chr7-116525104-T-TG. GRCh37 (hg19) VCF-style: chr7-116165158-T-TG.
Other names: c.30+19dupG (NM_001753.4); c.-758dup (NM_001172895.1).
Identifiers: ClinVar variation 212818 (VCV000212818.18), dbSNP rs749316760, ClinGen allele CA320527.
Genomic context (GRCh38, chr7:116,525,104, plus strand): 5'-CATCCAGCCACGGGCCAGCATGTCTGGGGGCAAATACGTAGACTCGGAGGTAGGCATCCG[T>TG]GGGGGGGCGCCGGCTCGGGCGTGCGGGGAGTGTCCGCTTCTGCTATCTGCCTCTCCAAAT-3'

ClinVar aggregate classification (germline): Benign. Review status: criteria provided, multiple submitters, no conflicts (2 of 4 stars). 3 submissions from 3 submitters: Benign (3). Last evaluated 2026-01-31.

Conditions:
Pulmonary hypertension, primary, 3. Identifiers: Orphanet 422, MedGen C3809192, MONDO:0014135, OMIM 615343.

Submissions (3):

Labcorp Genetics (formerly Invitae), Labcorp
Classification: Benign for Pulmonary hypertension, primary, 3. Last evaluated: 2026-01-31. Review status: criteria provided, single submitter. Criteria: Invitae Variant Classification Sherloc (09022015). Collection method: clinical testing. Allele origin: germline.

ARUP Laboratories, Molecular Genetics and Genomics, ARUP Laboratories
Classification: Benign. Last evaluated: 2023-10-16. Review status: criteria provided, single submitter. Criteria: ARUP Molecular Germline Variant Investigation Process 2024. Collection method: clinical testing. Allele origin: germline.

GeneDx
Classification: Benign. Last evaluated: 2015-03-03. Review status: criteria provided, single submitter. Criteria: GeneDx Variant Classification (06012015). Collection method: clinical testing. Allele origin: germline. Affected: yes.
Comment: This variant was found in PAH-ARRHYTHMIA